The following is an entry in ClinVar:

ClinVar aggregate classification (germline): Conflicting classifications of pathogenicity. Review status: criteria provided, conflicting classifications (1 of 4 stars). 3 submissions from 3 submitters: Uncertain significance (2); Benign (1). Last evaluated 2026-01-28.

Conditions:
Cardiovascular phenotype. Identifiers: MedGen CN230736.
Long QT syndrome (LQTS). Identifiers: MedGen C0023976, MeSH D008133, MONDO:0002442. Disease mechanism: loss of function. Inheritance: Various modes of inheritance.

Allele frequency attached by ClinVar (database versions not stated): ExAC 0.00001; gnomAD 0.00001; gnomAD exomes 0.00002 and 0.00006; TOPMed 0.00002.
gnomAD v4.1: 87 of 1,607,450 alleles (0.0054%); highest among the groups gnomAD compares: Non-Finnish European, 0.0073%; no homozygotes.

Submissions (3):

Labcorp Genetics (formerly Invitae), Labcorp
Classification: Uncertain significance for Long QT syndrome. Last evaluated: 2026-01-28. Review status: criteria provided, single submitter. Criteria: Invitae Variant Classification Sherloc (09022015). Collection method: clinical testing. Allele origin: germline.
Comment: This sequence change replaces serine, which is neutral and polar, with threonine, which is neutral and polar, at codon 799 of the CACNA1C protein (p.Ser799Thr). This variant is present in population databases (rs749753740, gnomAD 0.004%). This variant has not been reported in the literature in individuals affected with CACNA1C-related conditions. ClinVar contains an entry for this variant (Variation ID: 665389). Invitae Evidence Modeling of protein sequence and biophysical properties (such as structural, functional, and spatial information, amino acid conservation, physicochemical variation, residue mobility, and thermodynamic stability) indicates that this missense variant is not expected to disrupt CACNA1C protein function with a negative predictive value of 95%. In summary, the available evidence is currently insufficient to determine the role of this variant in disease. Therefore, it has been classified as a Variant of Uncertain Significance.

Mayo Clinic Laboratories, Mayo Clinic
Classification: Uncertain significance. Last evaluated: 2025-04-09. Review status: criteria provided, single submitter. Criteria: ACMG Guidelines, 2015. Collection method: clinical testing. Allele origin: germline. Observed: 1 variant allele.

Ambry Genetics
Classification: Benign for Cardiovascular phenotype. Last evaluated: 2023-06-20. Review status: criteria provided, single submitter. Criteria: Ambry Variant Classification Scheme 2023. Collection method: clinical testing. Allele origin: germline.

NM_000719.7(CACNA1C):c.2395T>A (p.Ser799Thr)

Gene: CACNA1C (calcium voltage-gated channel subunit alpha1 C; plus strand). Cytogenetic location: 12p13.33.
Variant type: single nucleotide variant.
Coding change: c.2395T>A on transcript NM_000719.7 (MANE Select); coding-DNA position 2395, T replaced by A.
Protein change: p.Ser799Thr; replaces serine 799 with threonine.
Molecular consequence: missense variant.
Genome position (GRCh38, 1-based): chr12:2,585,431, T>A. VCF-style: chr12-2585431-T-A. GRCh37 (hg19) VCF-style: chr12-2694597-T-A.
Other names: p.Ser799Thr; c.2395T>A, p.Ser799Thr (NM_001129827.2, NM_001129829.2, NM_001129830.3 and 18 more transcripts); c.2386T>A, p.Ser796Thr (NM_001129844.2); short protein forms S796T, S799T.
Identifiers: ClinVar variation 665389 (VCV000665389.11), dbSNP rs749753740, ClinGen allele CA6388960.